The following is an entry in ClinVar:

NM_001278716.2(FBXL4):c.1389+3_1389+6del

Gene: FBXL4 (F-box and leucine rich repeat protein 4; minus strand). Cytogenetic location: 6q16.1.
Variant type: Deletion.
Coding change: c.1389+3_1389+6del on transcript NM_001278716.2 (MANE Select); bases 3 to 6 of the intron after coding-DNA position 1389, 4 bases deleted (AAGT; older notation c.1389+3_1389+6delAAGT).
Molecular consequence: splice donor variant.
Genome position (GRCh38, 1-based): chr6:98,880,547-98,880,550, ACTT deleted on the plus strand (AAGT on the coding strand, the reverse complement: FBXL4 is on the minus strand); deleting any 4 consecutive bases within chr6:98,880,547-98,880,552 gives the same sequence; the c. name uses the placement nearest the transcript's 3' end. VCF-style (leftmost placement, unchanged base first): chr6-98880546-CACTT-C. GRCh37 (hg19) VCF-style: chr6-99328422-CACTT-C.
Other names: NC_000006.11:g.99328425_99328428del; c.1389+3_1389+6del (NM_012160.5); c.1389+1_1389+4del (NM_001278716.2).
Identifiers: ClinVar variation 437505 (VCV000437505.2), dbSNP rs1554216735, ClinGen allele CA16020686.

ClinVar aggregate classification (germline): Pathogenic (1 of 4 stars; one submission).

Conditions:
Mitochondrial DNA depletion syndrome 13. Also called: FBXL4-Related Encephalomyopathic Mitochondrial DNA Depletion Syndrome; Mitochondrial DNA depletion syndrome 13 (encephalomyopathic type). Identifiers: Orphanet 369897, MedGen C3809592, MONDO:0014198, OMIM 615471.

Submissions (2):

Wong Mito Lab, Molecular and Human Genetics, Baylor College of Medicine
Classification: Pathogenic for Mitochondrial DNA depletion syndrome 13. Last evaluated: 2017-08-10. Review status: criteria provided, single submitter. Criteria: ACMG Guidelines, 2015. Collection method: clinical testing. Allele origin: germline. Affected: yes.
Comment: The NM_012160.4:c.1389+3_1389+6del (NP_036292.2:p.=) [GRCH38: NC_000006.12:g.98880549_98880552del] variant in FBXL4 gene is interpretated to be a Pathogenic based on ACMG guidelines (PMID: 25741868). This variant has been reported in PMID:27743463 . This variant meets one or more of the following evidence codes reported in the ACMG-guideline. PS3:A well established functional studies show a deleterious effect on FBXL4. PM2:This variant is absent in key population databases. PM3:Detected in trans with a pathogenic variant for Mitochondrial DNA depletion syndrome 13 which is a recessive disorder. PP3:Computational evidence/predictors indicate the variant has deleterious effect on FBXL4 structure, function, or protein-protein interaction. PP4:Patientâ€™s phenotype or family history is highly specific for FBXL4. PP5:Reputable source(s) suggest that the variant is pathogenic. Based on this evidence code ClinGen Pathogenicity Calculator (PMID:28081714) suggested that the variant is Pathogenic.

Dr. Peter K. Rogan Lab, Western University
No classification provided (evidence only). Condition: Squamous cell lung carcinoma. Review status: no classification provided. Collection method: in vitro. Allele origin: not applicable. Functional consequence: skipped exon, retained intron. Not counted in ClinVar's aggregate classification.

Literature cited by the submitters: PubMed 27743463 (cited by Wong Mito Lab, Molecular and Human Genetics, Baylor College of Medicine).